The following is an entry in ClinVar:

NM_001376.5(DYNC1H1):c.9631_9634del (p.Thr3211fs)

Gene: DYNC1H1 (dynein cytoplasmic 1 heavy chain 1; plus strand). Cytogenetic location: 14q32.31.
Variant type: Deletion.
Coding change: c.9631_9634del on transcript NM_001376.5 (MANE Select); coding-DNA positions 9631 to 9634, 4 bases deleted (ACAG; older notation c.9631_9634delACAG).
Protein change: p.Thr3211fs; shifts the reading frame from threonine 3211.
Molecular consequence: frameshift variant.
Genome position (GRCh38, 1-based): chr14:102,029,701-102,029,704, ACAG deleted; deleting any 4 consecutive bases within chr14:102,029,699-102,029,704 gives the same sequence; the c. name uses the placement nearest the transcript's 3' end. VCF-style (leftmost placement, unchanged base first): chr14-102029698-GAGAC-G. GRCh37 (hg19) VCF-style: chr14-102496035-GAGAC-G.
Other names: short protein forms T3211fs.
Identifiers: ClinVar variation 1308136 (VCV001308136.2), dbSNP rs2152590178, ClinGen allele CA2573053854.

ClinVar aggregate classification (germline): Uncertain significance (1 of 4 stars; one submission).

Submission:

GeneDx
Classification: Uncertain significance. Last evaluated: 2019-03-18. Review status: criteria provided, single submitter. Criteria: GeneDx Variant Classification Process June 2021. Collection method: clinical testing. Allele origin: germline. Affected: yes.
Comment: Not observed in large population cohorts (Lek et al., 2016); Frameshift variant predicted to result in protein truncation or nonsense mediated decay in a gene for which loss-of-function is not a known mechanism of disease; Has not been previously published as pathogenic or benign to our knowledge